The following is an entry in ClinVar:

NM_000878.5(IL2RB):c.388C>A (p.Leu130Ile)

Gene: IL2RB (interleukin 2 receptor subunit beta; minus strand). Cytogenetic location: 22q12.3.
Variant type: single nucleotide variant.
Coding change: c.388C>A on transcript NM_000878.5 (MANE Select); coding-DNA position 388, C replaced by A.
Protein change: p.Leu130Ile; replaces leucine 130 with isoleucine.
Molecular consequence: missense variant.
Genome position (GRCh38, 1-based): chr22:37,139,117, G>T on the plus strand (C>A on the coding strand, the complement: IL2RB is on the minus strand). VCF-style: chr22-37139117-G-T. GRCh37 (hg19) VCF-style: chr22-37535157-G-T.
Other names: c.388C>A, p.Leu130Ile (NM_001346222.1, NM_001346223.2); short protein forms L130I.
Identifiers: ClinVar variation 1986570 (VCV001986570.2), dbSNP rs146185118, ClinGen allele CA10216652.
Genomic context (GRCh38, chr22:37,139,117, plus strand): 5'-GAGGTGGAAGGAAGGAGGTGCCCAGCCCTGCCCCAGCCCCACCCTGGCTTCCTCACTCAC[G>T]GTTCTCAAAGGGCTTGAAGTCCTGGATGGCCATCACCCTCCATCGCACCCCCTCACGGCA-3'
Protein context (NP_000869.1, residues 120-140): AIQDFKPFEN[Leu130Ile]RLMAPISLQV

ClinVar aggregate classification (germline): Uncertain significance (1 of 4 stars; one submission).

Allele frequency attached by ClinVar (database versions not stated): ESP Exome Variant Server 0.00015.
gnomAD v4.1: 9 of 1,604,304 alleles (0.00056%); highest among the groups gnomAD compares: African/African-American, 0.011%; no homozygotes.

Submission:

Labcorp Genetics (formerly Invitae), Labcorp
Classification: Uncertain significance. Last evaluated: 2022-10-07. Review status: criteria provided, single submitter. Criteria: Invitae Variant Classification Sherloc (09022015). Collection method: clinical testing. Allele origin: germline.
Comment: In summary, the available evidence is currently insufficient to determine the role of this variant in disease. Therefore, it has been classified as a Variant of Uncertain Significance. Algorithms developed to predict the effect of missense changes on protein structure and function output the following: SIFT: "Tolerated"; PolyPhen-2: "Benign"; Align-GVGD: "Class C0". The isoleucine amino acid residue is found in multiple mammalian species, which suggests that this missense change does not adversely affect protein function. This variant has not been reported in the literature in individuals affected with IL2RB-related conditions. This variant is present in population databases (rs146185118, gnomAD 0.03%). This sequence change replaces leucine, which is neutral and non-polar, with isoleucine, which is neutral and non-polar, at codon 130 of the IL2RB protein (p.Leu130Ile).